The following is an entry in ClinVar:

ClinVar aggregate classification (germline): Likely benign. Review status: criteria provided, multiple submitters, no conflicts (2 of 4 stars). 2 submissions from 2 submitters: Likely benign (2). Last evaluated 2026-08-01.

gnomAD v4.1: 2,087 of 1,614,178 alleles (0.13%); highest among the groups gnomAD compares: African/African-American, 0.36%; 1 homozygote.

Submissions (2):

CeGaT Center for Human Genetics Tuebingen
Classification: Likely benign. Last evaluated: 2026-08-01. Review status: criteria provided, single submitter. Criteria: CeGaT Center For Human Genetics Tuebingen Variant Classification Criteria Version 2. Collection method: clinical testing. Allele origin: germline. Affected: yes. Observed: 1 variant allele.
Comment: MPEG1: BP4, BP7

Blueprint Genetics
Classification: Likely benign. Last evaluated: 2024-11-22. Review status: criteria provided, single submitter. Criteria: ACMG Guidelines, 2015. Collection method: clinical testing. Allele origin: germline.

NM_001039396.2(MPEG1):c.1731C>T (p.Cys577=)

Gene: MPEG1 (macrophage expressed 1; minus strand). Cytogenetic location: 11q12.1.
Variant type: single nucleotide variant.
Coding change: c.1731C>T on transcript NM_001039396.2 (MANE Select); coding-DNA position 1731, C replaced by T.
Protein change: p.Cys577=; no amino-acid change (cysteine 577 retained).
Molecular consequence: synonymous variant.
Genome position (GRCh38, 1-based): chr11:59,211,135, G>A on the plus strand (C>T on the coding strand, the complement: MPEG1 is on the minus strand). VCF-style: chr11-59211135-G-A. GRCh37 (hg19) VCF-style: chr11-58978608-G-A.
Identifiers: ClinVar variation 4911743 (VCV004911743.2).